The following is an entry in ClinVar:

NM_000368.5(TSC1):c.1311TCT[1] (p.Leu439del)

Gene: TSC1 (TSC complex subunit 1; minus strand). Cytogenetic location: 9q34.13.
Variant type: Microsatellite.
Coding change: c.1311TCT[1] on transcript NM_000368.5 (MANE Select); one copy of the 3-base unit TCT starting at c.1311; the reference has two copies in a row; one copy, 3 bases deleted.
Protein change: p.Leu439del; deletes leucine 439.
Molecular consequence: inframe deletion. On other transcripts: non-coding transcript variant (5).
Genome position (GRCh38, 1-based): chr9:132,907,318-132,907,320, AGA deleted on the plus strand (TCT on the coding strand, the reverse complement: TSC1 is on the minus strand); deleting any 3 consecutive bases within chr9:132,907,318-132,907,323 gives the same sequence; the position shown is the placement nearest the transcript's 3' end. VCF-style (leftmost placement, unchanged base first): chr9-132907317-CAGA-C. GRCh37 (hg19) VCF-style: chr9-135782704-CAGA-C.
Other names: c.1311TCT[1], p.Leu439del (NM_001406606.1, NM_001406607.1, NM_001406592.1 and 7 more transcripts); c.1308TCT[1], p.Leu438del (NM_001406608.1, NM_001406609.1, NM_001162426.2 and 6 more transcripts); c.1158TCT[1], p.Leu388del (NM_001406610.1, NM_001162427.2); c.1155TCT[1], p.Leu387del (NM_001406611.1, NM_001406612.1, NM_001406613.1); c.948TCT[1], p.Leu318del (NM_001406614.1, NM_001406615.1, NM_001362177.2 and 5 more transcripts); c.945TCT[1], p.Leu317del (NM_001406620.1, NM_001406621.1, NM_001406622.1 and 2 more transcripts); c.360TCT[1], p.Leu122del (NM_001406626.1); c.357TCT[1], p.Leu121del (NM_001406627.1, NM_001406628.1); and 1 more; short protein forms L387del, L88del, L388del, L121del, L122del, L318del, L438del, L317del.
Identifiers: ClinVar variation 2902644 (VCV002902644.3), dbSNP rs2538783274, ClinGen allele CA2739264807.

ClinVar aggregate classification (germline): Uncertain significance (1 of 4 stars; one submission).

Conditions:
Tuberous sclerosis 1 (TSC1). Identifiers: Orphanet 805, MedGen C1854465, MONDO:0008612, OMIM 191100.

Submission:

Labcorp Genetics (formerly Invitae), Labcorp
Classification: Uncertain significance for Tuberous sclerosis 1. Last evaluated: 2023-03-19. Review status: criteria provided, single submitter. Criteria: Invitae Variant Classification Sherloc (09022015). Collection method: clinical testing. Allele origin: germline.
Comment: This variant, c.1314_1316del, results in the deletion of 1 amino acid(s) of the TSC1 protein (p.Leu439del), but otherwise preserves the integrity of the reading frame. This variant is not present in population databases (gnomAD no frequency). This variant has not been reported in the literature in individuals affected with TSC1-related conditions. Experimental studies and prediction algorithms are not available or were not evaluated, and the functional significance of this variant is currently unknown. In summary, the available evidence is currently insufficient to determine the role of this variant in disease. Therefore, it has been classified as a Variant of Uncertain Significance.